The following is an entry in ClinVar:

NM_000038.6(APC):c.3298dup (p.Ser1100fs)

Gene: APC (APC regulator of Wnt signaling pathway; plus strand). Cytogenetic location: 5q22.2.
Variant type: Duplication.
Coding change: c.3298dup on transcript NM_000038.6 (MANE Select); coding-DNA position 3298, one base duplicated (T; older notation c.3298dupT).
Protein change: p.Ser1100fs; shifts the reading frame from serine 1100.
Molecular consequence: frameshift variant.
Genome position (GRCh38, 1-based): chr5:112,838,892, T duplicated; the last of 3 consecutive T bases (chr5:112,838,890-112,838,892); duplicating any one gives the same sequence. VCF-style (leftmost placement, unchanged base first): chr5-112838889-G-GT. GRCh37 (hg19) VCF-style: chr5-112174586-G-GT.
Other names: c.2920dup, p.Ser974fs (NM_001354904.2); c.2818dup, p.Ser940fs (NM_001354905.2); c.2449dup, p.Ser817fs (NM_001354906.2); c.3298dup, p.Ser1100fs (NM_001127510.3, NM_001354895.2); c.3244dup, p.Ser1082fs (NM_001127511.3); c.3352dup, p.Ser1118fs (NM_001354896.2); c.3328dup, p.Ser1110fs (NM_001354897.2); c.3223dup, p.Ser1075fs (NM_001354898.2); and 5 more; short protein forms S1009fs, S1041fs, S1059fs, S1072fs, S1075fs, S1082fs, S1100fs, S1110fs.
Identifiers: ClinVar variation 1172301 (VCV001172301.2), dbSNP rs2149888975, ClinGen allele CA2499217471.

ClinVar aggregate classification (germline): Pathogenic (1 of 4 stars; one submission).

Conditions:
Hereditary cancer-predisposing syndrome. Also called: Tumor predisposition; Hereditary neoplastic syndrome; Hereditary Cancer Syndrome; Neoplastic Syndromes, Hereditary. Identifiers: Orphanet 140162, MedGen C0027672, MeSH D009386, MONDO:0015356.

Submission:

Color Diagnostics, LLC DBA Color Health
Classification: Pathogenic for Hereditary cancer-predisposing syndrome. Last evaluated: 2020-05-11. Review status: criteria provided, single submitter. Criteria: ACMG Guidelines, 2015. Collection method: clinical testing. Allele origin: germline.
Comment: This variant inserts 1 nucleotide in exon 16 of the APC gene, creating a frameshift and premature translation stop signal. This variant is expected to result in an absent or non-functional protein product. To our knowledge, this variant has not been reported in individuals affected with hereditary cancer in the literature. This variant has not been identified in the general population by the Genome Aggregation Database (gnomAD). Loss of APC function is a known mechanism of disease. Based on the available evidence, this variant is classified as Pathogenic.